The following is an entry in ClinVar:

NM_005732.4(RAD50):c.86G>T (p.Ser29Ile)

Gene: RAD50 (RAD50 double strand break repair protein; plus strand). Cytogenetic location: 5q31.1.
Variant type: single nucleotide variant.
Coding change: c.86G>T on transcript NM_005732.4 (MANE Select); coding-DNA position 86, G replaced by T.
Protein change: p.Ser29Ile; replaces serine 29 with isoleucine.
Molecular consequence: missense variant.
Genome position (GRCh38, 1-based): chr5:132,557,410, G>T. VCF-style: chr5-132557410-G-T. GRCh37 (hg19) VCF-style: chr5-131893102-G-T.
Other names: c.86G>T (NM_005732.3); short protein forms S29I.
Identifiers: ClinVar variation 1019043 (VCV001019043.11), dbSNP rs1274079017, ClinGen allele CA360951548.
Genomic context (GRCh38, chr5:132,557,410, plus strand): 5'-TTCTGGGCGTGCGGAGTTTTGGAATAGAGGACAAAGATAAGCAAATTATCACTTTCTTCA[G>T]CCCCCTTACAATTTTGGTTGGACCCAATGGGGCGGGAAAGACGGTAAGTCTTCAGTAGCC-3'
Protein context (NP_005723.2, residues 19-39): DKDKQIITFF[Ser29Ile]PLTILVGPNG

ClinVar aggregate classification (germline): Uncertain significance. Review status: criteria provided, multiple submitters, no conflicts (2 of 4 stars). 2 submissions from 2 submitters: Uncertain significance (2). Last evaluated 2023-09-09.

Conditions:
Hereditary cancer-predisposing syndrome. Also called: Tumor predisposition; Neoplastic Syndromes, Hereditary; Hereditary neoplastic syndrome; Hereditary Cancer Syndrome. Identifiers: Orphanet 140162, MedGen C0027672, MeSH D009386, MONDO:0015356.

Submissions (2):

Ambry Genetics
Classification: Uncertain significance for Hereditary cancer-predisposing syndrome. Last evaluated: 2023-09-09. Review status: criteria provided, single submitter. Criteria: Ambry Variant Classification Scheme 2023. Collection method: clinical testing. Allele origin: germline.
Comment: The p.S29I variant (also known as c.86G>T), located in coding exon 1 of the RAD50 gene, results from a G to T substitution at nucleotide position 86. The serine at codon 29 is replaced by isoleucine, an amino acid with dissimilar properties. This amino acid position is conserved. In addition, this alteration is predicted to be tolerated by in silico analysis. Since supporting evidence is limited at this time, the clinical significance of this alteration remains unclear.

Labcorp Genetics (formerly Invitae), Labcorp
Classification: Uncertain significance for Hereditary cancer-predisposing syndrome. Last evaluated: 2020-12-10. Review status: criteria provided, single submitter. Criteria: Invitae Variant Classification Sherloc (09022015). Collection method: clinical testing. Allele origin: germline.
Comment: This variant is not present in population databases (ExAC no frequency). This sequence change replaces serine with isoleucine at codon 29 of the RAD50 protein (p.Ser29Ile). The serine residue is moderately conserved and there is a large physicochemical difference between serine and isoleucine. This variant has not been reported in the literature in individuals with RAD50-related conditions. Algorithms developed to predict the effect of missense changes on protein structure and function are either unavailable or do not agree on the potential impact of this missense change (SIFT: "Deleterious"; PolyPhen-2: "Possibly Damaging"; Align-GVGD: "Class C0"). In summary, the available evidence is currently insufficient to determine the role of this variant in disease. Therefore, it has been classified as a Variant of Uncertain Significance.